The following is an entry in ClinVar:

NM_005477.3(HCN4):c.2496G>T (p.Leu832=)

Gene: HCN4 (hyperpolarization activated cyclic nucleotide gated potassium channel 4; minus strand). Cytogenetic location: 15q24.1.
Variant type: single nucleotide variant.
Coding change: c.2496G>T on transcript NM_005477.3 (MANE Select); coding-DNA position 2496, G replaced by T.
Protein change: p.Leu832=; no amino-acid change (leucine 832 retained).
Molecular consequence: synonymous variant.
Genome position (GRCh38, 1-based): chr15:73,323,597, C>A on the plus strand (G>T on the coding strand, the complement: HCN4 is on the minus strand). VCF-style: chr15-73323597-C-A. GRCh37 (hg19) VCF-style: chr15-73615938-C-A.
Identifiers: ClinVar variation 762487 (VCV000762487.15), dbSNP rs139394937, ClinGen allele CA7649016.

ClinVar aggregate classification (germline): Conflicting classifications of pathogenicity. Review status: criteria provided, conflicting classifications (1 of 4 stars). 4 submissions from 4 submitters: Uncertain significance (1); Likely benign (3). Last evaluated 2026-04-27.

Conditions:
Sick sinus syndrome 2, autosomal dominant (SSS2). Also called: ATRIAL FIBRILLATION WITH BRADYARRHYTHMIA; SINUS BRADYCARDIA SYNDROME, FAMILIAL, AUTOSOMAL DOMINANT; SINUS NODE DISEASE, FAMILIAL, AUTOSOMAL DOMINANT; SICK SINUS SYNDROME 2; SICK SINUS SYNDROME 2 WITH OR WITHOUT CARDIAC NONCOMPACTION AND/OR ASCENDING AORTA DILATION. Identifiers: Orphanet 166282, MedGen C1834144, MONDO:0008102, OMIM 163800.
Brugada syndrome 8 (BRGDA8). Identifiers: Orphanet 130, MedGen C2751083, MONDO:0013148, OMIM 613123.
Cardiovascular phenotype. Identifiers: MedGen CN230736.

Allele frequency attached by ClinVar (database versions not stated): gnomAD exomes 0.00002; ExAC 0.00004; gnomAD 0.00009; TOPMed 0.00013; ESP Exome Variant Server 0.00023; 1000 Genomes Project 30x 0.00031; 1000 Genomes Project 0.00040.
gnomAD v4.1: 40 of 1,601,286 alleles (0.0025%); highest among the groups gnomAD compares: African/African-American, 0.048%; no homozygotes.

Submissions (4):

Clinical Genomics Laboratory, Washington University in St. Louis
Classification: Uncertain significance for Sick sinus syndrome 2, autosomal dominant. Last evaluated: 2026-04-27. Review status: criteria provided, single submitter. Criteria: ACMG Guidelines, 2015. Collection method: clinical testing. Allele origin: germline.
Comment: A HCN4 c.2496G>T (p.Leu832=) variant was identified in a heterozygous state. This variant, to our knowledge, has not been reported in the medical literature. It has been reported in the ClinVar database as a germline likely benign variant by three submitters (Variation ID: 762487). It is observed in 7/267,156 alleles in the general population (gnomAD v2.1.1). Computational predictors suggest that the variant does not impact HCN4 function. The clinical significance of this variant is uncertain.

Labcorp Genetics (formerly Invitae), Labcorp
Classification: Likely benign for Brugada syndrome 8. Last evaluated: 2026-01-23. Review status: criteria provided, single submitter. Criteria: Invitae Variant Classification Sherloc (09022015). Collection method: clinical testing. Allele origin: germline.

ARUP Laboratories, Molecular Genetics and Genomics, ARUP Laboratories
Classification: Likely benign. Last evaluated: 2024-06-21. Review status: criteria provided, single submitter. Criteria: ARUP Molecular Germline Variant Investigation Process 2024. Collection method: clinical testing. Allele origin: germline.

Ambry Genetics
Classification: Likely benign for Cardiovascular phenotype. Last evaluated: 2019-05-08. Review status: criteria provided, single submitter. Criteria: Ambry Variant Classification Scheme 2023. Collection method: clinical testing. Allele origin: germline.